The following is an entry in ClinVar:

ClinVar aggregate classification (germline): Benign. Review status: criteria provided, multiple submitters, no conflicts (2 of 4 stars). 7 submissions from 7 submitters: Benign (7). Last evaluated 2026-02-04.

Conditions:
Autosomal recessive nonsyndromic hearing loss 3. Also called: NEUROSENSORY NONSYNDROMIC RECESSIVE DEAFNESS 3. Identifiers: Orphanet 90636, MedGen C1838263, MONDO:0010860, OMIM 600316.

Allele frequency attached by ClinVar (database versions not stated): ESP Exome Variant Server 0.12323; gnomAD exomes 0.14058 and 0.18696; TOPMed 0.16687; gnomAD 0.16745; ExAC 0.17749; 1000 Genomes Project 30x 0.23173; 1000 Genomes Project 0.23682.
gnomAD v4.1: 230,584 of 1,613,274 alleles (14%); highest among the groups gnomAD compares: East Asian, 49%; 21,549 homozygotes.

Submissions (7):

Labcorp Genetics (formerly Invitae), Labcorp
Classification: Benign. Last evaluated: 2026-02-04. Review status: criteria provided, single submitter. Criteria: Invitae Variant Classification Sherloc (09022015). Collection method: clinical testing. Allele origin: germline.

Women's Health and Genetics/Laboratory Corporation of America, LabCorp
Classification: Benign. Last evaluated: 2026-01-08. Review status: criteria provided, single submitter. Criteria: LabCorp Variant Classification Summary - May 2015. Collection method: clinical testing. Allele origin: germline.

GeneDx
Classification: Benign. Last evaluated: 2018-06-29. Review status: criteria provided, single submitter. Criteria: GeneDx Variant Classification Process June 2021. Collection method: clinical testing. Allele origin: germline. Affected: yes.

Illumina Laboratory Services, Illumina
Classification: Benign for Autosomal recessive nonsyndromic hearing loss 3. Last evaluated: 2018-01-13. Review status: criteria provided, single submitter. Criteria: ICSL Variant Classification Criteria 13 December 2019. Collection method: clinical testing. Allele origin: germline.
Comment: This variant was observed in the ICSL laboratory as part of a predisposition screen in an ostensibly healthy population. It had not been previously curated by ICSL or reported in the Human Gene Mutation Database (HGMD: prior to June 1st, 2018), and was therefore a candidate for classification through an automated scoring system. Utilizing variant allele frequency, disease prevalence and penetrance estimates, and inheritance mode, an automated score was calculated to assess if this variant is too frequent to cause the disease. Based on the score and internal cut-off values, a variant classified as benign is not then subjected to further curation. The score for this variant resulted in a classification of benign for this disease.

Laboratory for Molecular Medicine, Mass General Brigham Personalized Medicine
Classification: Benign. Last evaluated: 2012-05-07. Review status: criteria provided, single submitter. Criteria: LMM Criteria. Collection method: clinical testing. Allele origin: germline. Observed: 437 variant alleles.
Comment: 5212-14C>T in Intron 19 of MYO15A: This variant is not expected to have clinical significance because it has been identified in 14.0% (462/3304) of African Amer ican chromosomes from a broad population by the NHLBI Exome Sequencing Project (dbSNP rs2072652).

Breakthrough Genomics
Classification: Benign. Review status: criteria provided, single submitter. Criteria: ACMG Guidelines, 2015. Collection method: not provided. Allele origin: germline. Inheritance: Autosomal recessive inheritance. Affected: yes.

PreventionGenetics, part of Exact Sciences
Classification: Benign. Review status: criteria provided, single submitter. Criteria: ACMG Guidelines, 2015. Collection method: clinical testing. Allele origin: germline.

NM_016239.4(MYO15A):c.5212-14C>T

Gene: MYO15A (myosin XVA; plus strand). Cytogenetic location: 17p11.2.
Variant type: single nucleotide variant.
Coding change: c.5212-14C>T on transcript NM_016239.4 (MANE Select); 14 bases into the intron before coding-DNA position 5212, C replaced by T.
Molecular consequence: intron variant.
Genome position (GRCh38, 1-based): chr17:18,140,503, C>T. VCF-style: chr17-18140503-C-T. GRCh37 (hg19) VCF-style: chr17-18043817-C-T.
Identifiers: ClinVar variation 45748 (VCV000045748.24), dbSNP rs2072652, ClinGen allele CA136992.